The following is an entry in ClinVar:

ClinVar aggregate classification (germline): Uncertain significance (1 of 4 stars; one submission).

Conditions:
Spastic paraplegia. Identifiers: MedGen C0037772, HP:0001258.

Allele frequency attached by ClinVar (database versions not stated): gnomAD 0.00001; TOPMed 0.00002; 1000 Genomes Project 30x 0.00016; 1000 Genomes Project 0.00020.

Submission:

Labcorp Genetics (formerly Invitae), Labcorp
Classification: Uncertain significance for Spastic paraplegia. Last evaluated: 2020-06-17. Review status: criteria provided, single submitter. Criteria: Invitae Variant Classification Sherloc (09022015). Collection method: clinical testing. Allele origin: germline.
Comment: This variant has not been reported in the literature in individuals with CYP7B1-related conditions. In summary, the available evidence is currently insufficient to determine the role of this variant in disease. Therefore, it has been classified as a Variant of Uncertain Significance. Algorithms developed to predict the effect of missense changes on protein structure and function are either unavailable or do not agree on the potential impact of this missense change (SIFT: "Tolerated"; PolyPhen-2: "Possibly Damaging"; Align-GVGD: "Class C0"). The frequency data for this variant in the population databases is considered unreliable, as metrics indicate insufficient coverage at this position in the ExAC database. This sequence change replaces alanine with valine at codon 8 of the CYP7B1 protein (p.Ala8Val). The alanine residue is weakly conserved and there is a small physicochemical difference between alanine and valine.

NM_004820.5(CYP7B1):c.23C>T (p.Ala8Val)

Genes: CYP7B1 (cytochrome P450 family 7 subfamily B member 1; minus strand), LOC130000507 (ATAC-STARR-seq lymphoblastoid silent region 19243; plus strand). Cytogenetic location: 8q12.3.
Variant type: single nucleotide variant.
Coding change: c.23C>T on transcript NM_004820.5 (MANE Select); coding-DNA position 23, C replaced by T.
Protein change: p.Ala8Val; replaces alanine 8 with valine.
Molecular consequence: missense variant.
Genome position (GRCh38, 1-based): chr8:64,798,565, G>A on the plus strand (C>T on the coding strand, the complement: CYP7B1 is on the minus strand). VCF-style: chr8-64798565-G-A. GRCh37 (hg19) VCF-style: chr8-65711122-G-A.
Other names: c.23C>T, p.Ala8Val (NM_001324112.2); short protein forms A8V.
Identifiers: ClinVar variation 1023180 (VCV001023180.9), dbSNP rs565769944, ClinGen allele CA179061881.